The following is an entry in ClinVar:

ClinVar aggregate classification (germline): Uncertain significance (1 of 4 stars; one submission).

Allele frequency attached by ClinVar (database versions not stated): gnomAD exomes below 0.00001; gnomAD 0.00001; TOPMed 0.00001.
gnomAD v4.1: 7 of 1,613,900 alleles (0.00043%); highest among the groups gnomAD compares: African/African-American, 0.0093%; no homozygotes.

Submission:

Labcorp Genetics (formerly Invitae), Labcorp
Classification: Uncertain significance. Last evaluated: 2022-06-27. Review status: criteria provided, single submitter. Criteria: Invitae Variant Classification Sherloc (09022015). Collection method: clinical testing. Allele origin: germline.
Comment: This sequence change replaces threonine, which is neutral and polar, with isoleucine, which is neutral and non-polar, at codon 1418 of the CCDC88A protein (p.Thr1418Ile). This variant is not present in population databases (gnomAD no frequency). This variant has not been reported in the literature in individuals affected with CCDC88A-related conditions. Algorithms developed to predict the effect of missense changes on protein structure and function (SIFT, PolyPhen-2, Align-GVGD) all suggest that this variant is likely to be tolerated. In summary, the available evidence is currently insufficient to determine the role of this variant in disease. Therefore, it has been classified as a Variant of Uncertain Significance.

NM_001365480.1(CCDC88A):c.4256C>T (p.Thr1419Ile)

Gene: CCDC88A (coiled-coil domain containing 88A; minus strand). Cytogenetic location: 2p16.1.
Variant type: single nucleotide variant.
Coding change: c.4256C>T on transcript NM_001365480.1 (MANE Select); coding-DNA position 4256, C replaced by T.
Protein change: p.Thr1419Ile; replaces threonine 1419 with isoleucine.
Molecular consequence: missense variant.
Genome position (GRCh38, 1-based): chr2:55,308,940, G>A on the plus strand (C>T on the coding strand, the complement: CCDC88A is on the minus strand). VCF-style: chr2-55308940-G-A. GRCh37 (hg19) VCF-style: chr2-55536076-G-A.
Other names: c.4253C>T, p.Thr1418Ile (NM_001135597.2, NM_001254943.2); c.4256C>T, p.Thr1419Ile (NM_018084.5); short protein forms T1419I, T1418I.
Identifiers: ClinVar variation 1349328 (VCV001349328.3), dbSNP rs1312610930, ClinGen allele CA346884615.